The following is an entry in ClinVar:

ClinVar aggregate classification (germline): Uncertain significance. Review status: criteria provided, multiple submitters, no conflicts (2 of 4 stars). 3 submissions from 3 submitters: Uncertain significance (3). Last evaluated 2025-03-24.

Conditions:
MYH3-related disorder. Also called: MYH3-related condition; MYH3-Related Disorders. Identifiers: MedGen CN239329.

Allele frequency attached by ClinVar (database versions not stated): gnomAD exomes below 0.00001; ExAC 0.00001; TOPMed 0.00001.
gnomAD v4.1: 1 of 1,614,032 alleles (0.000062%); highest among the groups gnomAD compares: Admixed American, 0.0017%; no homozygotes.

Submissions (3):

PreventionGenetics, part of Exact Sciences
Classification: Uncertain significance for MYH3-related condition. Last evaluated: 2025-03-24. Review status: criteria provided, single submitter. Criteria: ACMG Guidelines, 2015. Collection method: clinical testing. Allele origin: germline.
Comment: The MYH3 c.4531G>A variant is predicted to result in the amino acid substitution p.Ala1511Thr. To our knowledge, this variant has not been reported in the literature. This variant is reported in 0.0029% of alleles in individuals of Latino descent in gnomAD. At this time, the clinical significance of this variant is uncertain due to the absence of conclusive functional and genetic evidence.

GeneDx
Classification: Uncertain significance. Last evaluated: 2024-12-23. Review status: criteria provided, single submitter. Criteria: GeneDx Variant Classification Process June 2021. Collection method: clinical testing. Allele origin: germline. Affected: yes.
Comment: Not observed at significant frequency in large population cohorts (gnomAD); In silico analysis indicates that this missense variant does not alter protein structure/function; Has not been previously published as pathogenic or benign to our knowledge

Labcorp Genetics (formerly Invitae), Labcorp
Classification: Uncertain significance. Last evaluated: 2024-06-24. Review status: criteria provided, single submitter. Criteria: Invitae Variant Classification Sherloc (09022015). Collection method: clinical testing. Allele origin: germline.
Comment: This sequence change replaces alanine, which is neutral and non-polar, with threonine, which is neutral and polar, at codon 1511 of the MYH3 protein (p.Ala1511Thr). This variant is present in population databases (rs753865328, gnomAD 0.003%). This variant has not been reported in the literature in individuals affected with MYH3-related conditions. ClinVar contains an entry for this variant (Variation ID: 2196035). Advanced modeling of protein sequence and biophysical properties (such as structural, functional, and spatial information, amino acid conservation, physicochemical variation, residue mobility, and thermodynamic stability) performed at Invitae indicates that this missense variant is not expected to disrupt MYH3 protein function with a negative predictive value of 95%. In summary, the available evidence is currently insufficient to determine the role of this variant in disease. Therefore, it has been classified as a Variant of Uncertain Significance.

NM_002470.4(MYH3):c.4531G>A (p.Ala1511Thr)

Gene: MYH3 (myosin heavy chain 3; minus strand). Cytogenetic location: 17p13.1.
Variant type: single nucleotide variant.
Coding change: c.4531G>A on transcript NM_002470.4 (MANE Select); coding-DNA position 4531, G replaced by A.
Protein change: p.Ala1511Thr; replaces alanine 1511 with threonine.
Molecular consequence: missense variant.
Genome position (GRCh38, 1-based): chr17:10,633,707, C>T on the plus strand (G>A on the coding strand, the complement: MYH3 is on the minus strand). VCF-style: chr17-10633707-C-T. GRCh37 (hg19) VCF-style: chr17-10537024-C-T.
Other names: c.4531G>A (NM_002470.3); short protein forms A1511T.
Identifiers: ClinVar variation 2196035 (VCV002196035.6), dbSNP rs753865328, ClinGen allele CA8392184.